The following is an entry in ClinVar:

NM_003384.3(VRK1):c.161-2A>G

Gene: VRK1 (VRK serine/threonine kinase 1; plus strand). Cytogenetic location: 14q32.2.
Variant type: single nucleotide variant.
Coding change: c.161-2A>G on transcript NM_003384.3 (MANE Select); the canonical splice acceptor site of the intron before coding-DNA position 161, A replaced by G.
Molecular consequence: splice acceptor variant.
Genome position (GRCh38, 1-based): chr14:96,837,760, A>G. VCF-style: chr14-96837760-A-G. GRCh37 (hg19) VCF-style: chr14-97304097-A-G.
Other names: c.161-2A>G (NM_001411051.1, NM_001411053.1).
Identifiers: ClinVar variation 2742849 (VCV002742849.3), dbSNP rs2504141901, ClinGen allele CA390931796.

ClinVar aggregate classification (germline): Likely pathogenic (1 of 4 stars; one submission).

Conditions:
Pontocerebellar hypoplasia type 1A (PCH1A). Also called: PONTOCEREBELLAR HYPOPLASIA WITH ANTERIOR HORN CELL DISEASE; PONTOCEREBELLAR HYPOPLASIA WITH INFANTILE SPINAL MUSCULAR ATROPHY. Identifiers: Orphanet 2254, Orphanet 88616, MedGen C1843504, MONDO:0011866, OMIM 607596.

Submission:

Labcorp Genetics (formerly Invitae), Labcorp
Classification: Likely pathogenic for Pontocerebellar hypoplasia type 1A. Last evaluated: 2023-07-13. Review status: criteria provided, single submitter. Criteria: Invitae Variant Classification Sherloc (09022015). Collection method: clinical testing. Allele origin: germline.
Comment: This variant is not present in population databases (gnomAD no frequency). This variant has not been reported in the literature in individuals affected with VRK1-related conditions. Algorithms developed to predict the effect of sequence changes on RNA splicing suggest that this variant may disrupt the consensus splice site. In summary, the currently available evidence indicates that the variant is pathogenic, but additional data are needed to prove that conclusively. Therefore, this variant has been classified as Likely Pathogenic. This sequence change affects an acceptor splice site in intron 2 of the VRK1 gene. It is expected to disrupt RNA splicing. Variants that disrupt the donor or acceptor splice site typically lead to a loss of protein function (PMID: 16199547), and loss-of-function variants in VRK1 are known to be pathogenic (PMID: 19646678, 24126608, 27281532).

Literature cited by the submitters: PubMed 16199547; PubMed 19646678; PubMed 24126608; PubMed 27281532.